The following is an entry in ClinVar:

NM_025103.4(IFT74):c.1024C>T (p.Gln342Ter)

Gene: IFT74 (intraflagellar transport 74; plus strand). Cytogenetic location: 9p21.2.
Variant type: single nucleotide variant.
Coding change: c.1024C>T on transcript NM_025103.4 (MANE Select); coding-DNA position 1024, C replaced by T.
Protein change: p.Gln342Ter; replaces glutamine 342 with a stop codon.
Molecular consequence: nonsense.
Genome position (GRCh38, 1-based): chr9:27,029,074, C>T. VCF-style: chr9-27029074-C-T. GRCh37 (hg19) VCF-style: chr9-27029072-C-T.
Other names: c.1024C>T, p.Gln342Ter (NM_001099222.3, NM_001099223.3, NM_001099224.3 and 1 more transcripts); c.1024C>T (NM_025103.2); short protein forms Q342*.
Identifiers: ClinVar variation 1454954 (VCV001454954.13), dbSNP rs377639405, ClinGen allele CA5015479.
Genomic context (GRCh38, chr9:27,029,074, plus strand): 5'-ATTTTCAACAGGTTAACAGATACAAAAGAAAAGATAAATCAGTTTATTGAAGAAATTAGA[C>T]AACTTGACATGGATTTAGAGGAACACCAAGGTATGCTTCTGGTATTTTTATAATGTAGAT-3'

ClinVar aggregate classification (germline): Conflicting classifications of pathogenicity. Review status: criteria provided, conflicting classifications (1 of 4 stars). 5 submissions from 5 submitters: Pathogenic (2); Likely pathogenic (2); Uncertain significance (1). Last evaluated 2026-09-16.

Conditions:
Retinal disorder. Also called: Retinopathy; Retinopathies; Retinal Diseases; Retinal disorders. Identifiers: MedGen C0035309, MONDO:0005283, HP:0000488.
IFT74-related disorder. Also called: IFT74-Related Disorders; IFT74-related condition.

Allele frequency attached by ClinVar (database versions not stated): ExAC 0.00006; gnomAD exomes 0.00006; gnomAD 0.00011; ESP Exome Variant Server 0.00009; TOPMed 0.00009.
gnomAD v4.1: 282 of 1,601,854 alleles (0.018%); highest among the groups gnomAD compares: Non-Finnish European, 0.023%; no homozygotes.

Submissions (5):

Genetics Laboratory, Great Ormond Street Hospital NHS Foundation Trust, North Thames Genomic Laboratory Hub
Classification: Uncertain significance for Retinal disorders. Last evaluated: 2026-09-16. Review status: criteria provided, single submitter. Criteria: ACGS Best Practice Guidelines for Variant Classification in Rare Disease 2024 v1.2. Collection method: clinical testing. Allele origin: germline. Affected: yes.
Comment: PVS1_very-strong

PreventionGenetics, part of Exact Sciences
Classification: Likely pathogenic for IFT74-related condition. Last evaluated: 2026-06-24. Review status: criteria provided, single submitter. Criteria: ACMG Guidelines, 2015. Collection method: clinical testing. Allele origin: germline.
Comment: The IFT74 c.1024C>T variant is predicted to result in premature protein termination (p.Gln342*). This variant was reported to segregate in a small family with amyotrophic lateral sclerosis (ALS); however, pathogenicity was not established (Momeni et al. 2006. PubMed ID: 17166276). This variant is reported in 0.013% of alleles in individuals of European (Non-Finnish) descent in gnomAD. Nonsense variants in IFT74 are expected to be pathogenic. This variant is interpreted as likely pathogenic.

Labcorp Genetics (formerly Invitae), Labcorp
Classification: Pathogenic. Last evaluated: 2025-12-13. Review status: criteria provided, single submitter. Criteria: Invitae Variant Classification Sherloc (09022015). Collection method: clinical testing. Allele origin: germline.
Comment: This sequence change creates a premature translational stop signal (p.Gln342*) in the IFT74 gene. It is expected to result in an absent or disrupted protein product. Loss-of-function variants in IFT74 are known to be pathogenic (PMID: 33531668). This variant is present in population databases (rs377639405, gnomAD 0.01%). This premature translational stop signal has been observed in individual(s) with amyotrophic lateral sclerosis (PMID: 17166276). ClinVar contains an entry for this variant (Variation ID: 1454954). Algorithms developed to predict the effect of sequence changes on RNA splicing suggest that this variant may disrupt the consensus splice site. For these reasons, this variant has been classified as Pathogenic.

Women's Health and Genetics/Laboratory Corporation of America, LabCorp
Classification: Pathogenic for IFT74-Related Disorders. Last evaluated: 2025-10-24. Review status: criteria provided, single submitter. Criteria: LabCorp Variant Classification Summary - May 2015. Collection method: clinical testing. Allele origin: germline.
Comment: Variant summary: IFT74 c.1024C>T (p.Gln342X) results in a premature termination codon, predicted to cause a truncation of the encoded protein or absence of the protein due to nonsense mediated decay, which are commonly known mechanisms for disease. The variant allele was found at a frequency of 5.8e-05 in 241744 control chromosomes (gnomAD). This frequency is not significantly higher than estimated for disease-causing variants in IFT74, allowing no conclusion about variant significance. c.1024C>T has been observed in individuals affected with amyotrophic lateral sclerosis frontotemporal dementia (Momeni_2006). These data indicate that the variant may be associated with disease. To our knowledge, no experimental evidence demonstrating an impact on protein function has been reported. The following publication have been ascertained in the context of this evaluation (PMID: 17166276). ClinVar contains an entry for this variant (Variation ID: 1454954). Based on the evidence outlined above, the variant was classified as pathogenic.

Blueprint Genetics
Classification: Likely pathogenic for IFT74-related disorders. Last evaluated: 2024-04-02. Review status: criteria provided, single submitter. Criteria: ACMG Guidelines, 2015. Collection method: clinical testing. Allele origin: germline. Affected: yes. Observed: 5 variant alleles.

Literature cited by the submitters: PubMed 33531668 (cited by Labcorp Genetics (formerly Invitae), Labcorp); PubMed 17166276 (cited by Labcorp Genetics (formerly Invitae), Labcorp and Women's Health and Genetics/Laboratory Corporation of America, LabCorp).